The following is an entry in ClinVar:

ClinVar aggregate classification (germline): Uncertain significance (1 of 4 stars; one submission).

Conditions:
Ectodermal dysplasia and immunodeficiency 2. Identifiers: Orphanet 238468, Orphanet 98813, MedGen C2677481, MONDO:0012806, OMIM 612132.

gnomAD v4.1: 1 of 1,614,170 alleles (0.000062%); highest among the groups gnomAD compares: South Asian, 0.0011%; no homozygotes.

Submission:

Labcorp Genetics (formerly Invitae), Labcorp
Classification: Uncertain significance for Ectodermal dysplasia and immunodeficiency 2. Last evaluated: 2023-05-20. Review status: criteria provided, single submitter. Criteria: Invitae Variant Classification Sherloc (09022015). Collection method: clinical testing. Allele origin: germline.
Comment: This variant has not been reported in the literature in individuals affected with NFKBIA-related conditions. An algorithm developed to predict the effect of missense changes on protein structure and function (PolyPhen-2) suggests that this variant is likely to be disruptive. In summary, the available evidence is currently insufficient to determine the role of this variant in disease. Therefore, it has been classified as a Variant of Uncertain Significance. This variant is not present in population databases (gnomAD no frequency). This sequence change replaces leucine, which is neutral and non-polar, with valine, which is neutral and non-polar, at codon 280 of the NFKBIA protein (p.Leu280Val).

NM_020529.3(NFKBIA):c.838C>G (p.Leu280Val)

Gene: NFKBIA (NFKB inhibitor alpha; minus strand). Cytogenetic location: 14q13.2.
Variant type: single nucleotide variant.
Coding change: c.838C>G on transcript NM_020529.3 (MANE Select); coding-DNA position 838, C replaced by G.
Protein change: p.Leu280Val; replaces leucine 280 with valine.
Molecular consequence: missense variant.
Genome position (GRCh38, 1-based): chr14:35,402,462, G>C on the plus strand (C>G on the coding strand, the complement: NFKBIA is on the minus strand). VCF-style: chr14-35402462-G-C. GRCh37 (hg19) VCF-style: chr14-35871668-G-C.
Other names: short protein forms L280V.
Identifiers: ClinVar variation 2784324 (VCV002784324.3), dbSNP rs2138830464, ClinGen allele CA389451988.
Genomic context (GRCh38, chr14:35,402,462, plus strand): 5'-CTGTGAACTCCGTGAACTCTGACTCTGTGTCATAGCTCTCCTCATCCTCACTCTCTGGCA[G>C]CATCTGAAGGTTTTCTAGTGTCAGCTGGCCCAGCTGCTGCTGTATCCGGGTGCTTGGGCG-3'
Protein context (NP_065390.1, residues 270-290): GQLTLENLQM[Leu280Val]PESEDEESYD